The following is an entry in ClinVar:

ClinVar aggregate classification (germline): Uncertain significance (1 of 4 stars; one submission).

Conditions:
Gorlin syndrome. Also called: Nevoid Basal Cell Carcinoma Syndrome; Basal cell nevus syndrome. Identifiers: Orphanet 377, MedGen C0004779, MONDO:0007187.

Allele frequency attached by ClinVar (database versions not stated): ESP Exome Variant Server 0.00008.

Submission:

Labcorp Genetics (formerly Invitae), Labcorp
Classification: Uncertain significance for Gorlin syndrome. Last evaluated: 2021-11-16. Review status: criteria provided, single submitter. Criteria: Invitae Variant Classification Sherloc (09022015). Collection method: clinical testing. Allele origin: germline.
Comment: In summary, the available evidence is currently insufficient to determine the role of this variant in disease. Therefore, it has been classified as a Variant of Uncertain Significance. Advanced modeling of protein sequence and biophysical properties (such as structural, functional, and spatial information, amino acid conservation, physicochemical variation, residue mobility, and thermodynamic stability) performed at Invitae indicates that this missense variant is not expected to disrupt PTCH1 protein function. This variant has not been reported in the literature in individuals affected with PTCH1-related conditions. This variant is not present in population databases (gnomAD no frequency). This sequence change replaces glutamic acid, which is acidic and polar, with lysine, which is basic and polar, at codon 122 of the PTCH1 protein (p.Glu122Lys).

NM_000264.5(PTCH1):c.364G>A (p.Glu122Lys)

Gene: PTCH1 (patched 1; minus strand). Cytogenetic location: 9q22.32.
Variant type: single nucleotide variant.
Coding change: c.364G>A on transcript NM_000264.5 (MANE Select); coding-DNA position 364, G replaced by A.
Protein change: p.Glu122Lys; replaces glutamic acid 122 with lysine.
Molecular consequence: missense variant. On other transcripts: 5 prime UTR variant (4), non-coding transcript variant (1).
Genome position (GRCh38, 1-based): chr9:95,506,437, C>T on the plus strand (G>A on the coding strand, the complement: PTCH1 is on the minus strand). VCF-style: chr9-95506437-C-T. GRCh37 (hg19) VCF-style: chr9-98268719-C-T.
Other names: c.166G>A, p.Glu56Lys (NM_001083602.3, NM_001354919.2); c.361G>A, p.Glu121Lys (NM_001083603.3); c.-90G>A (NM_001083604.3, NM_001083605.3, NM_001083606.3 and 1 more transcripts); c.364G>A, p.Glu122Lys (NM_001354918.2); short protein forms E122K, E56K, E121K.
Identifiers: ClinVar variation 1425186 (VCV001425186.4), dbSNP rs374150356, ClinGen allele CA196553116.